The following is an entry in ClinVar:

NM_000702.4(ATP1A2):c.178-2A>G

Gene: ATP1A2 (ATPase Na+/K+ transporting subunit alpha 2; plus strand). Cytogenetic location: 1q23.2.
Variant type: single nucleotide variant.
Coding change: c.178-2A>G on transcript NM_000702.4 (MANE Select); the canonical splice acceptor site of the intron before coding-DNA position 178, A replaced by G.
Molecular consequence: splice acceptor variant.
Genome position (GRCh38, 1-based): chr1:160,123,211, A>G. VCF-style: chr1-160123211-A-G. GRCh37 (hg19) VCF-style: chr1-160093001-A-G.
Identifiers: ClinVar variation 4721451 (VCV004721451.1).

ClinVar aggregate classification (germline): Likely pathogenic (1 of 4 stars; one submission).

Conditions:
Familial hemiplegic migraine. Identifiers: MedGen C0338484, MONDO:0000700.

Submission:

Labcorp Genetics (formerly Invitae), Labcorp
Classification: Likely pathogenic for Familial hemiplegic migraine. Last evaluated: 2025-06-15. Review status: criteria provided, single submitter. Criteria: Invitae Variant Classification Sherloc (09022015). Collection method: clinical testing. Allele origin: germline.
Comment: This sequence change affects an acceptor splice site in intron 3 of the ATP1A2 gene. It is expected to disrupt RNA splicing. Variants that disrupt the donor or acceptor splice site typically lead to a loss of protein function (PMID: 16199547), and loss-of-function variants in ATP1A2 are known to be pathogenic (PMID: 30690204). This variant is present in population databases (rs755863566, gnomAD 0.0009%). This variant has not been reported in the literature in individuals affected with ATP1A2-related conditions. Algorithms developed to predict the effect of sequence changes on RNA splicing suggest that this variant may disrupt the consensus splice site. In summary, the currently available evidence indicates that the variant is pathogenic, but additional data are needed to prove that conclusively. Therefore, this variant has been classified as Likely Pathogenic.

Literature cited by the submitters: PubMed 16199547; PubMed 30690204.